The following is an entry in ClinVar:

ClinVar aggregate classification (germline): Pathogenic (1 of 4 stars; one submission).

Conditions:
Recessive dystrophic epidermolysis bullosa (RDEB). Also called: DYSTROPHIC EPIDERMOLYSIS BULLOSA, AUTOSOMAL RECESSIVE; EPIDERMOLYSIS BULLOSA DYSTROPHICA, HALLOPEAU-SIEMENS TYPE; Hallopeau-Siemens Disease; severe generalized recessive dystrophic epidermolysis bullosa; EPIDERMOLYSIS BULLOSA DYSTROPHICA, GENERALIZED SEVERE, AUTOSOMAL RECESSIVE; Epidermolysis Bullosa Distrophica Autosomal Recessive (RDEB). Identifiers: Orphanet 79408, Orphanet 79409, MedGen C0079474, MONDO:0009179, OMIM 226600.

Submission:

Myriad Genetics, Inc.
Classification: Pathogenic for Recessive dystrophic epidermolysis bullosa. Last evaluated: 2024-10-16. Review status: criteria provided, single submitter. Criteria: Myriad Autosomal Dominant, Autosomal Recessive and X-Linked Classification Criteria (2023). Collection method: clinical testing. Allele origin: unknown.
Comment: NM_000094.3(COL7A1):c.344delG(G115Afs*32) is expected to be pathogenic in the context of dystrophic epidermolysis bullosa. This variant is predicted to lead to an abnormal or absent protein product due to the creation of a premature termination codon in COL7A1, a gene where loss-of-function variants are known to be pathogenic. Please note: this variant was assessed in the context of healthy population screening.

NM_000094.4(COL7A1):c.344del (p.Gly115fs)

Gene: COL7A1 (collagen type VII alpha 1 chain; minus strand). Cytogenetic location: 3p21.31.
Variant type: Deletion.
Coding change: c.344del on transcript NM_000094.4 (MANE Select); coding-DNA position 344, one base deleted (G; older notation c.344delG).
Protein change: p.Gly115fs; shifts the reading frame from glycine 115.
Molecular consequence: frameshift variant.
Genome position (GRCh38, 1-based): chr3:48,593,619, C deleted on the plus strand (G on the coding strand, the reverse complement: COL7A1 is on the minus strand); the first of 6 consecutive C bases (chr3:48,593,619-48,593,624); deleting any one gives the same sequence. VCF-style (leftmost placement, unchanged base first): chr3-48593618-GC-G. GRCh37 (hg19) VCF-style: chr3-48631051-GC-G.
Other names: short protein forms G115fs.
Identifiers: ClinVar variation 5013643 (VCV005013643.1).
Genomic context (GRCh38, chr3:48,593,618, plus strand): 5'-CAGCTGGGGCAGGAAGACATGGTCAGCCACATGGAGAATTGCAGCCCCTGTGCGAGTGTT[GC>G]CCCCCTTGTAGCTAAGCTCACGGATGGCGCGGATCACATCACCCCCAGAGCCAAGTGCAT-3'